The following is an entry in ClinVar:

NM_000368.5(TSC1):c.*2733A>G

Gene: TSC1 (TSC complex subunit 1; minus strand). Cytogenetic location: 9q34.13.
Variant type: single nucleotide variant.
Coding change: c.*2733A>G on transcript NM_000368.5 (MANE Select); 2733 bases downstream of the stop codon, A replaced by G.
Molecular consequence: 3 prime UTR variant.
Genome position (GRCh38, 1-based): chr9:132,893,502, T>C on the plus strand (A>G on the coding strand, the complement: TSC1 is on the minus strand). VCF-style: chr9-132893502-T-C. GRCh37 (hg19) VCF-style: chr9-135768889-T-C.
Other names: c.*2733A>G (NM_001162426.2, NM_001162427.2, NM_001362177.2).
Identifiers: ClinVar variation 365437 (VCV000365437.5), dbSNP rs73552805, ClinGen allele CA10629299.
Genomic context (GRCh38, chr9:132,893,502, plus strand): 5'-CAAAGTTCTATCAGATGCAGATCTGTGTGTTTATTCACCTGCAGGGACTCCGGAGCTCAT[T>C]TGCTCTGCGTCTTCCTATCCCCCTCCCCGCTAAAACTGTAGTGCACCTTTTTAAAGGAAT-3'

ClinVar aggregate classification (germline): Benign. Review status: criteria provided, single submitter (1 of 4 stars). 2 submissions from 1 submitter: Benign (2). Last evaluated 2018-01-13.

Conditions:
Tuberous sclerosis 1 (TSC1). Identifiers: Orphanet 805, MedGen C1854465, MONDO:0008612, OMIM 191100.
Isolated focal cortical dysplasia type II (FCORD2). Also called: CORTICAL DYSPLASIA OF TAYLOR; Focal cortical dysplasia type II. Identifiers: Orphanet 268994, MedGen C1846385, MONDO:0011818, OMIM 607341, HP:0032051.

Allele frequency attached by ClinVar (database versions not stated): gnomAD exomes 0.00058; gnomAD 0.00151 and 0.00162; 1000 Genomes Project 30x 0.00156; 1000 Genomes Project 0.00160; TOPMed 0.00162.
gnomAD v4.1: 275 of 233,232 alleles (0.12%); highest among the groups gnomAD compares: African/African-American, 0.42%; no homozygotes.

Submissions (2):

Illumina Laboratory Services, Illumina
Classification: Benign for Tuberous sclerosis 1. Last evaluated: 2018-01-13. Review status: criteria provided, single submitter. Criteria: ICSL Variant Classification Criteria 13 December 2019. Collection method: clinical testing. Allele origin: germline.
Comment: This variant was observed in the ICSL laboratory as part of a predisposition screen in an ostensibly healthy population. It had not been previously curated by ICSL or reported in the Human Gene Mutation Database (HGMD: prior to June 1st, 2018), and was therefore a candidate for classification through an automated scoring system. Utilizing variant allele frequency, disease prevalence and penetrance estimates, and inheritance mode, an automated score was calculated to assess if this variant is too frequent to cause the disease. Based on the score and internal cut-off values, a variant classified as benign is not then subjected to further curation. The score for this variant resulted in a classification of benign for this disease.

Illumina Laboratory Services, Illumina
Classification: Benign for Isolated focal cortical dysplasia type II. Last evaluated: 2018-01-13. Review status: criteria provided, single submitter. Criteria: ICSL Variant Classification Criteria 13 December 2019. Collection method: clinical testing. Allele origin: germline.
Comment: the same text as in the submission from Illumina Laboratory Services, Illumina above.